The following is an entry in ClinVar:

NM_000321.3(RB1):c.-81G>T

Gene: RB1 (RB transcriptional corepressor 1; plus strand). Cytogenetic location: 13q14.2.
Variant type: single nucleotide variant.
Coding change: c.-81G>T on transcript NM_000321.3 (MANE Select); 81 bases upstream of the start codon, G replaced by T.
Molecular consequence: 5 prime UTR variant.
Genome position (GRCh38, 1-based): chr13:48,303,832, G>T. VCF-style: chr13-48303832-G-T. GRCh37 (hg19) VCF-style: chr13-48877968-G-T.
Other names: c.-81G>T (NM_001407165.1, NM_001407166.1, NM_001407167.1).
Identifiers: ClinVar variation 3615311 (VCV003615311.2).

ClinVar aggregate classification (germline): Uncertain significance (1 of 4 stars; one submission).

Conditions:
Retinoblastoma (RB1). Also called: RETINOBLASTOMA, SOMATIC. Identifiers: Orphanet 790, MedGen C0035335, MeSH D012175, MONDO:0008380, OMIM 180200, HP:0009919. Disease mechanism: loss of function. Inheritance: Both sporadic and heritable forms are tested..

Submission:

Labcorp Genetics (formerly Invitae), Labcorp
Classification: Uncertain significance for Retinoblastoma. Last evaluated: 2025-11-10. Review status: criteria provided, single submitter. Criteria: Invitae Variant Classification Sherloc (09022015). Collection method: clinical testing. Allele origin: germline.
Comment: This variant occurs in a non-coding region of the RB1 gene. It does not change the encoded amino acid sequence of the RB1 protein. This variant is not present in population databases (gnomAD no frequency). This variant has not been reported in the literature in individuals affected with RB1-related conditions. ClinVar contains an entry for this variant (Variation ID: 3615311). In summary, the available evidence is currently insufficient to determine the role of this variant in disease. Therefore, it has been classified as a Variant of Uncertain Significance.